The following is an entry in ClinVar:

ClinVar aggregate classification (germline): Benign/Likely benign. Review status: criteria provided, multiple submitters, no conflicts (2 of 4 stars). 7 submissions from 7 submitters: Benign (3); Likely benign (4). Last evaluated 2026-05-27.

Conditions:
SACS-related disorder. Also called: SACS-related condition.
Spastic paraplegia. Identifiers: MedGen C0037772, HP:0001258.
Hereditary spastic paraplegia. Also called: Familial spastic paraparesis. Identifiers: Orphanet 685, MedGen C0037773, MONDO:0019064. Disease mechanism: loss of function.

Allele frequency attached by ClinVar (database versions not stated): gnomAD exomes 0.00066; ExAC 0.00079; 1000 Genomes Project 0.00160; 1000 Genomes Project 30x 0.00172; gnomAD 0.00235 and 0.00255; TOPMed 0.00259; ESP Exome Variant Server 0.00284.
gnomAD v4.1: 634 of 1,613,278 alleles (0.039%); highest among the groups gnomAD compares: African/African-American, 0.77%; 3 homozygotes.

Submissions (7):

PreventionGenetics, part of Exact Sciences
Classification: Benign for SACS-related condition. Last evaluated: 2026-05-27. Review status: criteria provided, single submitter. Criteria: ACMG Guidelines, 2015. Collection method: clinical testing. Allele origin: germline.
Comment: This variant is classified as benign based on ACMG/AMP sequence variant interpretation guidelines (Richards et al. 2015 PMID: 25741868, with internal and published modifications).

Labcorp Genetics (formerly Invitae), Labcorp
Classification: Benign for Spastic paraplegia. Last evaluated: 2026-02-04. Review status: criteria provided, single submitter. Criteria: Invitae Variant Classification Sherloc (09022015). Collection method: clinical testing. Allele origin: germline.

Mayo Clinic Laboratories, Mayo Clinic
Classification: Likely benign. Last evaluated: 2025-06-11. Review status: criteria provided, single submitter. Criteria: ACMG Guidelines, 2015. Collection method: clinical testing. Allele origin: germline. Observed: 3 variant alleles.
Comment: BS1, BP4, BP7

Athena Diagnostics
Classification: Benign. Last evaluated: 2025-05-09. Review status: criteria provided, single submitter. Criteria: Athena Diagnostics Criteria. Collection method: clinical testing. Allele origin: unknown.
Comment: The frequency of this variant in the general population is higher than would generally be expected for pathogenic variants in this gene. Computational tools yielded predictions that this variant is unlikely to have an effect on normal RNA splicing. This nucleotide position exhibits low evolutionary conservation. This variant has been seen where an alternate explanation for disease was also identified.

CeGaT Center for Human Genetics Tuebingen
Classification: Likely benign. Last evaluated: 2025-04-01. Review status: criteria provided, single submitter. Criteria: CeGaT Center For Human Genetics Tuebingen Variant Classification Criteria Version 2. Collection method: clinical testing. Allele origin: germline. Affected: yes. Observed: 2 variant alleles.
Comment: SACS: BP4, BP7

Genome Diagnostics Laboratory, The Hospital for Sick Children
Classification: Likely benign for Hereditary spastic paraplegia. Last evaluated: 2021-06-15. Review status: criteria provided, single submitter. Criteria: ACMG Guidelines, 2015. Collection method: clinical testing. Allele origin: germline. Affected: yes.

GeneDx
Classification: Likely benign. Last evaluated: 2021-05-07. Review status: criteria provided, single submitter. Criteria: GeneDx Variant Classification Process June 2021. Collection method: clinical testing. Allele origin: germline. Affected: yes.

NM_014363.6(SACS):c.2721G>A (p.Leu907=)

Gene: SACS (sacsin molecular chaperone; minus strand). Cytogenetic location: 13q12.12.
Variant type: single nucleotide variant.
Coding change: c.2721G>A on transcript NM_014363.6 (MANE Select); coding-DNA position 2721, G replaced by A.
Protein change: p.Leu907=; no amino-acid change (leucine 907 retained).
Molecular consequence: synonymous variant.
Genome position (GRCh38, 1-based): chr13:23,341,155, C>T on the plus strand (G>A on the coding strand, the complement: SACS is on the minus strand). VCF-style: chr13-23341155-C-T. GRCh37 (hg19) VCF-style: chr13-23915294-C-T.
Other names: p.Leu907=; c.2280G>A, p.Leu760= (NM_001278055.2).
Identifiers: ClinVar variation 260396 (VCV000260396.44), dbSNP rs140118958, ClinGen allele CA6911637.